The following is an entry in ClinVar:

ClinVar aggregate classification (germline): Pathogenic. Review status: criteria provided, multiple submitters, no conflicts (2 of 4 stars). 5 submissions from 5 submitters: Pathogenic (3). 2 of the submissions do not count toward it. Last evaluated 2023-09-17.

Conditions:
Qualitative or quantitative defects of merosin. Identifiers: Orphanet 207094, MedGen CN226848, MONDO:0016149.
LAMA2-related muscular dystrophy (LAMA2-RD). Also called: Laminin alpha 2-related dystrophy. Identifiers: MedGen C5679788, MONDO:0100228.
Merosin deficient congenital muscular dystrophy (MDC1A). Also called: Congenital merosin-deficient muscular dystrophy 1A; Congenital Muscular Dystrophy Type 1A (MDC1A). Identifiers: Orphanet 258, MedGen C1263858, MONDO:0011925, OMIM 607855.

Submissions (5):

Labcorp Genetics (formerly Invitae), Labcorp
Classification: Pathogenic for LAMA2-related muscular dystrophy. Last evaluated: 2023-09-17. Review status: criteria provided, single submitter. Criteria: Invitae Variant Classification Sherloc (09022015). Collection method: clinical testing. Allele origin: germline.
Comment: This sequence change creates a premature translational stop signal (p.Gln1240*) in the LAMA2 gene. It is expected to result in an absent or disrupted protein product. Loss-of-function variants in LAMA2 are known to be pathogenic (PMID: 18700894, 32904964). This variant is not present in population databases (gnomAD no frequency). This premature translational stop signal has been observed in individual(s) with autosomal recessive congenital muscular dystrophy (PMID: 7550355). ClinVar contains an entry for this variant (Variation ID: 14290). For these reasons, this variant has been classified as Pathogenic.

Broad Center for Mendelian Genomics, Broad Institute of MIT and Harvard
Classification: Pathogenic for Qualitative or quantitative defects of merosin. Last evaluated: 2023-05-02. Review status: criteria provided, single submitter. Criteria: ACMG Guidelines, 2015. Collection method: curation. Allele origin: germline. Inheritance: Autosomal recessive inheritance.
Comment: The p.Gln1240Ter variant in LAMA2 has been previously reported in two unrelated individuals with LAMA2-related muscular dystrophy (PMID: 34559299, PMID: 7550355). This variant has also been reported in ClinVar (Variation ID: 14290) and has been interpreted as pathogenic by OMIM, Invitae, and Eurofins NTD LLC and as likely pathogenic by Counsyl. This variant was absent from large population studies. This nonsense variant leads to a premature termination codon at position 1240, which is predicted to lead to a truncated or absent protein. Loss of function of the LAMA2 gene is an established disease mechanism in autosomal recessive LAMA2-related muscular dystrophy. In summary, this variant meets criteria to be classified as pathogenic for autosomal recessive LAMA2-related muscular dystrophy. ACMG/AMP Criteria applied: PVS1, PM2_Supporting, PM3 (Richards 2015).

Eurofins Ntd Llc (ga)
Classification: Pathogenic. Last evaluated: 2013-04-03. Review status: criteria provided, single submitter. Criteria: EGL Classification Definitions. Collection method: clinical testing. Allele origin: germline. Observed: 2 variant alleles, 2 heterozygotes.

Counsyl
Classification: Likely pathogenic for Merosin deficient congenital muscular dystrophy. Last evaluated: 2017-12-07. Review status: no assertion criteria provided. Collection method: clinical testing. Allele origin: unknown. Not counted in ClinVar's aggregate classification.

OMIM
Classification: Pathogenic for MUSCULAR DYSTROPHY, CONGENITAL MEROSIN-DEFICIENT. Last evaluated: 1995-10-01. Review status: no assertion criteria provided. Collection method: literature only. Allele origin: germline. Not counted in ClinVar's aggregate classification.

Literature cited by the submitters: PubMed 18700894 (cited by Labcorp Genetics (formerly Invitae), Labcorp); PubMed 32904964 (cited by Labcorp Genetics (formerly Invitae), Labcorp); PubMed 7550355 (cited by 3 submitters); PubMed 25525159 (cited by Counsyl).

NM_000426.4(LAMA2):c.3718C>T (p.Gln1240Ter)

Gene: LAMA2 (laminin subunit alpha 2; plus strand). Cytogenetic location: 6q22.33.
Variant type: single nucleotide variant.
Coding change: c.3718C>T on transcript NM_000426.4 (MANE Select); coding-DNA position 3718, C replaced by T.
Protein change: p.Gln1240Ter; replaces glutamine 1240 with a stop codon.
Molecular consequence: nonsense.
Genome position (GRCh38, 1-based): chr6:129,315,638, C>T. VCF-style: chr6-129315638-C-T. GRCh37 (hg19) VCF-style: chr6-129636783-C-T.
Other names: Q1241*; NM_000426.4(LAMA2):c.3718C>T; p.Gln1240Ter; c.3718C>T, p.Gln1240Ter (NM_001079823.2); short protein forms Q1240*.
Identifiers: ClinVar variation 14290 (VCV000014290.18), dbSNP rs121913569, ClinGen allele CA220762.